The following is an entry in ClinVar:

NM_014043.4(CHMP2B):c.56G>A (p.Arg19Gln)

Gene: CHMP2B (charged multivesicular body protein 2B; plus strand). Cytogenetic location: 3p11.2.
Variant type: single nucleotide variant.
Coding change: c.56G>A on transcript NM_014043.4 (MANE Select); coding-DNA position 56, G replaced by A.
Protein change: p.Arg19Gln; replaces arginine 19 with glutamine.
Molecular consequence: missense variant. On other transcripts: intron variant (1).
Genome position (GRCh38, 1-based): chr3:87,240,720, G>A. VCF-style: chr3-87240720-G-A. GRCh37 (hg19) VCF-style: chr3-87289870-G-A.
Other names: c.4-4994G>A (NM_001244644.2); short protein forms R19Q.
Identifiers: ClinVar variation 902088 (VCV000902088.14), dbSNP rs200322526, ClinGen allele CA2500882.
Genomic context (GRCh38, chr3:87,240,720, plus strand): 5'-ACAACCCATAAATTTAGGTTTCTTTTGTGATTCTCCTAGATGTAATAAAGGAACAGAATC[G>A]AGAGTTACGAGGTACACAGAGGGCTATAATCAGAGATCGAGCAGCTTTAGAGAAACAAGA-3'
Protein context (NP_054762.2, residues 9-29): TVDDVIKEQN[Arg19Gln]ELRGTQRAII

ClinVar aggregate classification (germline): Conflicting classifications of pathogenicity. Review status: criteria provided, conflicting classifications (1 of 4 stars). 5 submissions from 5 submitters: Uncertain significance (3); Likely benign (1). 1 of the submissions does not count toward it. Last evaluated 2025-12-03.

Conditions:
CHMP2B-related disorder. Also called: CHMP2B-related condition.
Frontotemporal dementia and/or amyotrophic lateral sclerosis 7 (FTDALS7). Also called: Amyotrophic lateral sclerosis 17; CHMP2B-related frontotemporal dementia; AMYOTROPHIC LATERAL SCLEROSIS, CHMP2B-RELATED; CHMP2B-Related Frontotemporal Dementia-Amyotrophic Lateral Sclerosis. Identifiers: Orphanet 275864, Orphanet 282, Orphanet 803, MedGen C1833296, MONDO:0010936, OMIM 600795.

Allele frequency attached by ClinVar (database versions not stated): gnomAD 0.00006 and 0.00007; TOPMed 0.00006; 1000 Genomes Project 30x 0.00016; 1000 Genomes Project 0.00020.
gnomAD v4.1: 147 of 1,613,020 alleles (0.0091%); highest among the groups gnomAD compares: East Asian, 0.096%; no homozygotes.

Submissions (5):

Labcorp Genetics (formerly Invitae), Labcorp
Classification: Uncertain significance for Frontotemporal dementia and/or amyotrophic lateral sclerosis 7. Last evaluated: 2025-12-03. Review status: criteria provided, single submitter. Criteria: Invitae Variant Classification Sherloc (09022015). Collection method: clinical testing. Allele origin: germline.
Comment: This sequence change replaces arginine, which is basic and polar, with glutamine, which is neutral and polar, at codon 19 of the CHMP2B protein (p.Arg19Gln). This variant is present in population databases (rs200322526, gnomAD 0.02%). This missense change has been observed in individual(s) with parkinsonism-dementia complex (PMID: 25558820). ClinVar contains an entry for this variant (Variation ID: 902088). An algorithm developed to predict the effect of missense changes on protein structure and function (PolyPhen-2) suggests that this variant is likely to be tolerated. In summary, the available evidence is currently insufficient to determine the role of this variant in disease. Therefore, it has been classified as a Variant of Uncertain Significance.

Blueprint Genetics
Classification: Uncertain significance. Last evaluated: 2024-04-08. Review status: criteria provided, single submitter. Criteria: ACMG Guidelines, 2015. Collection method: clinical testing. Allele origin: germline.

Revvity Omics, Revvity
Classification: Uncertain significance for Frontotemporal dementia and/or amyotrophic lateral sclerosis 7. Last evaluated: 2019-09-24. Review status: criteria provided, single submitter. Criteria: ACMG Guidelines, 2015. Collection method: clinical testing. Allele origin: germline.

Illumina Laboratory Services, Illumina
Classification: Likely benign for Frontotemporal dementia and/or amyotrophic lateral sclerosis 7. Last evaluated: 2018-01-13. Review status: criteria provided, single submitter. Criteria: ICSL Variant Classification Criteria 13 December 2019. Collection method: clinical testing. Allele origin: germline.
Comment: This variant was observed in the ICSL laboratory as part of a predisposition screen in an ostensibly healthy population. It had not been previously curated by ICSL or reported in the Human Gene Mutation Database (HGMD: prior to June 1st, 2018), and was therefore a candidate for classification through an automated scoring system. Utilizing variant allele frequency, disease prevalence and penetrance estimates, and inheritance mode, an automated score was calculated to assess if this variant is too frequent to cause the disease. Based on the score and internal cut-off values, a variant classified as likely benign is not then subjected to further curation. The score for this variant resulted in a classification of likely benign for this disease.

PreventionGenetics, part of Exact Sciences
Classification: Uncertain significance for CHMP2B-related condition. Last evaluated: 2024-02-05. Review status: no assertion criteria provided. Collection method: clinical testing. Allele origin: germline. Not counted in ClinVar's aggregate classification.
Comment: The CHMP2B c.56G>A variant is predicted to result in the amino acid substitution p.Arg19Gln. This variant is reported in 0.020% of alleles in individuals of East Asian descent in gnomAD. This variant could be benign. At this time, the clinical significance of this variant is uncertain due to the absence of conclusive functional and genetic evidence.

Literature cited by the submitters: PubMed 25558820 (cited by Labcorp Genetics (formerly Invitae), Labcorp).